The following is an entry in ClinVar:

ClinVar aggregate classification (germline): Uncertain significance (1 of 4 stars; one submission).

gnomAD v4.1: 1 of 1,612,946 alleles (0.000062%); highest among the groups gnomAD compares: Non-Finnish European, 0.000085%; no homozygotes.

Submission:

GeneDx
Classification: Uncertain significance. Last evaluated: 2025-06-09. Review status: criteria provided, single submitter. Criteria: GeneDx Variant Classification Process June 2021. Collection method: clinical testing. Allele origin: germline. Affected: yes.
Comment: Not observed at significant frequency in large population cohorts (gnomAD); In silico analysis supports that this missense variant has a deleterious effect on protein structure/function; This variant is associated with the following publications: (PMID: 34718578)

NM_004453.4(ETFDH):c.740G>A (p.Gly247Asp)

Gene: ETFDH (electron transfer flavoprotein dehydrogenase; plus strand). Cytogenetic location: 4q32.1.
Variant type: single nucleotide variant.
Coding change: c.740G>A on transcript NM_004453.4 (MANE Select); coding-DNA position 740, G replaced by A.
Protein change: p.Gly247Asp; replaces glycine 247 with aspartic acid.
Molecular consequence: missense variant.
Genome position (GRCh38, 1-based): chr4:158,695,552, G>A. VCF-style: chr4-158695552-G-A. GRCh37 (hg19) VCF-style: chr4-159616704-G-A.
Other names: c.599G>A, p.Gly200Asp (NM_001281737.2); c.557G>A, p.Gly186Asp (NM_001281738.1); short protein forms G186D, G200D, G247D.
Identifiers: ClinVar variation 4537914 (VCV004537914.1).
Genomic context (GRCh38, chr4:158,695,552, plus strand): 5'-TTCAGGCAACATTTGAGAGAGGACTGGAACTACATGCTAAAGTCACAATTTTTGCAGAAG[G>A]TTGCCATGGACATCTAGCCAAGCAACTATATAAGAAGTTTGATTTGAGAGCAAATTGTGA-3'
Protein context (NP_004444.2, residues 237-257): LHAKVTIFAE[Gly247Asp]CHGHLAKQLY